The following is an entry in ClinVar:

ClinVar aggregate classification (germline): Uncertain significance (1 of 4 stars; one submission).

gnomAD v4.1: 1 of 1,613,788 alleles (0.000062%); highest among the groups gnomAD compares: African/African-American, 0.0013%; no homozygotes.

Submission:

Labcorp Genetics (formerly Invitae), Labcorp
Classification: Uncertain significance. Last evaluated: 2021-12-20. Review status: criteria provided, single submitter. Criteria: Invitae Variant Classification Sherloc (09022015). Collection method: clinical testing. Allele origin: germline.
Comment: This sequence change replaces isoleucine, which is neutral and non-polar, with leucine, which is neutral and non-polar, at codon 306 of the CEP250 protein (p.Ile306Leu). In summary, the available evidence is currently insufficient to determine the role of this variant in disease. Therefore, it has been classified as a Variant of Uncertain Significance. Algorithms developed to predict the effect of missense changes on protein structure and function output the following: SIFT: "Not Available"; PolyPhen-2: "Benign"; Align-GVGD: "Not Available". The leucine amino acid residue is found in multiple mammalian species, which suggests that this missense change does not adversely affect protein function. This variant has not been reported in the literature in individuals affected with CEP250-related conditions. This variant is not present in population databases (gnomAD no frequency).

NM_007186.6(CEP250):c.916A>C (p.Ile306Leu)

Gene: CEP250 (centrosomal protein 250; plus strand). Cytogenetic location: 20q11.22.
Variant type: single nucleotide variant.
Coding change: c.916A>C on transcript NM_007186.6 (MANE Select); coding-DNA position 916, A replaced by C.
Protein change: p.Ile306Leu; replaces isoleucine 306 with leucine.
Molecular consequence: missense variant. On other transcripts: 5 prime UTR variant (1).
Genome position (GRCh38, 1-based): chr20:35,469,954, A>C. VCF-style: chr20-35469954-A-C. GRCh37 (hg19) VCF-style: chr20-34057779-A-C.
Other names: c.-984A>C (NM_001318219.1); short protein forms I306L.
Identifiers: ClinVar variation 2050413 (VCV002050413.4), dbSNP rs756960945, ClinGen allele CA408758253.